The following is an entry in ClinVar:

ClinVar aggregate classification (germline): Pathogenic (1 of 4 stars; one submission).

Conditions:
Duane-radial ray syndrome (DRRS). Also called: ACRORENOOCULAR SYNDROME; DR SYNDROME; DUANE ANOMALY WITH RADIAL RAY ABNORMALITIES AND DEAFNESS; Okihiro Syndrome; Duane-Radial Ray Syndrome/Okihiro Syndrome; Duane-Radial Ray Syndrome (DRRS) / Okihiro Syndrome. Identifiers: Orphanet 93293, Orphanet 959, MedGen C1623209, MONDO:0011812, OMIM 607323. Disease mechanism: gain of function.

Submission:

Labcorp Genetics (formerly Invitae), Labcorp
Classification: Pathogenic for Duane-radial ray syndrome. Last evaluated: 2023-05-26. Review status: criteria provided, single submitter. Criteria: Invitae Variant Classification Sherloc (09022015). Collection method: clinical testing. Allele origin: germline.
Comment: This sequence change creates a premature translational stop signal (p.Phe665Tyrfs*4) in the SALL4 gene. It is expected to result in an absent or disrupted protein product. Loss-of-function variants in SALL4 are known to be pathogenic (PMID: 15342710, 16086360). This variant is not present in population databases (gnomAD no frequency). This variant has not been reported in the literature in individuals affected with SALL4-related conditions. For these reasons, this variant has been classified as Pathogenic.

Literature cited by the submitters: PubMed 15342710; PubMed 16086360.

NM_020436.5(SALL4):c.1994_1995del (p.Phe665fs)

Gene: SALL4 (spalt like transcription factor 4; minus strand). Cytogenetic location: 20q13.2.
Variant type: Deletion.
Coding change: c.1994_1995del on transcript NM_020436.5 (MANE Select); coding-DNA positions 1994 to 1995, 2 bases deleted (TT; older notation c.1994_1995delTT).
Protein change: p.Phe665fs; shifts the reading frame from phenylalanine 665.
Molecular consequence: frameshift variant. On other transcripts: intron variant (1).
Genome position (GRCh38, 1-based): chr20:51,790,488-51,790,489, AA deleted on the plus strand (TT on the coding strand, the reverse complement: SALL4 is on the minus strand); deleting any 2 consecutive bases within chr20:51,790,488-51,790,490 gives the same sequence; the c. name uses the placement nearest the transcript's 3' end. VCF-style (leftmost placement, unchanged base first): chr20-51790487-TAA-T. GRCh37 (hg19) VCF-style: chr20-50407026-TAA-T.
Other names: c.1150+844_1150+845del (NM_001318031.2); short protein forms F665fs.
Identifiers: ClinVar variation 2728404 (VCV002728404.3), dbSNP rs35471036, ClinGen allele CA2697547427.
Genomic context (GRCh38, chr20:51,790,487, plus strand): 5'-CATCATGGCAGATAGCGCCGGTGCTGCCGTTCTCACCCACGGTCATTGGCTCAGAACCCG[TAA>T]AGTCACAGGGATTCTCTGGCAGGGGCGTGTTGGGAATCTGACCGCCCATGTGCATCCGAA-3'